The following is an entry in ClinVar:

NM_030954.4(RNF170):c.351T>C (p.Tyr117=)

Gene: RNF170 (ring finger protein 170; minus strand). Cytogenetic location: 8p11.21.
Variant type: single nucleotide variant.
Coding change: c.351T>C on transcript NM_030954.4 (MANE Select); coding-DNA position 351, T replaced by C.
Protein change: p.Tyr117=; no amino-acid change (tyrosine 117 retained).
Molecular consequence: synonymous variant.
Genome position (GRCh38, 1-based): chr8:42,865,461, A>G on the plus strand (T>C on the coding strand, the complement: RNF170 is on the minus strand). VCF-style: chr8-42865461-A-G. GRCh37 (hg19) VCF-style: chr8-42720604-A-G.
Other names: c.351T>C, p.Tyr117= (NM_001160223.2, NM_001160224.2); c.99T>C, p.Tyr33= (NM_001160225.2).
Identifiers: ClinVar variation 2658587 (VCV002658587.24), dbSNP rs1333976966, ClinGen allele CA460570882.

ClinVar aggregate classification (germline): Likely benign (1 of 4 stars; one submission).

Allele frequency attached by ClinVar (database versions not stated): gnomAD exomes 0.00001.
gnomAD v4.1: 13 of 1,613,864 alleles (0.00081%); highest among the groups gnomAD compares: East Asian, 0.027%; no homozygotes.

Submission:

CeGaT Center for Human Genetics Tuebingen
Classification: Likely benign. Last evaluated: 2023-10-01. Review status: criteria provided, single submitter. Criteria: CeGaT Center For Human Genetics Tuebingen Variant Classification Criteria Version 2. Collection method: clinical testing. Allele origin: germline. Affected: yes. Observed: 1 variant allele.
Comment: RNF170: PM2:Supporting, BP4, BP7